The following is an entry in ClinVar:

NM_004863.4(SPTLC2):c.-30G>T

Gene: SPTLC2 (serine palmitoyltransferase long chain base subunit 2; minus strand). Cytogenetic location: 14q24.3.
Variant type: single nucleotide variant.
Coding change: c.-30G>T on transcript NM_004863.4 (MANE Select); 30 bases upstream of the start codon, G replaced by T.
Molecular consequence: 5 prime UTR variant.
Genome position (GRCh38, 1-based): chr14:77,616,609, C>A on the plus strand (G>T on the coding strand, the complement: SPTLC2 is on the minus strand). VCF-style: chr14-77616609-C-A. GRCh37 (hg19) VCF-style: chr14-78082952-C-A.
Identifiers: ClinVar variation 314681 (VCV000314681.7), dbSNP rs142320856, ClinGen allele CA7289533.

ClinVar aggregate classification (germline): Benign. Review status: criteria provided, multiple submitters, no conflicts (2 of 4 stars). 3 submissions from 3 submitters: Benign (3). Last evaluated 2018-01-13.

Conditions:
Neuropathy, hereditary sensory and autonomic, type 1C. Also called: HSAN IC; HSN IC. Identifiers: Orphanet 36386, MedGen C3150896, MONDO:0013337, OMIM 613640.

Allele frequency attached by ClinVar (database versions not stated): ESP Exome Variant Server 0.01665; TOPMed 0.02014; 1000 Genomes Project 30x 0.02608; 1000 Genomes Project 0.02776.
gnomAD v4.1: 47,824 of 1,534,068 alleles (3.1%); highest among the groups gnomAD compares: South Asian, 7.7%; 1,014 homozygotes.

Submissions (3):

Illumina Laboratory Services, Illumina
Classification: Benign for Neuropathy, hereditary sensory and autonomic, type 1C. Last evaluated: 2018-01-13. Review status: criteria provided, single submitter. Criteria: ICSL Variant Classification Criteria 13 December 2019. Collection method: clinical testing. Allele origin: germline.
Comment: This variant was observed in the ICSL laboratory as part of a predisposition screen in an ostensibly healthy population. It had not been previously curated by ICSL or reported in the Human Gene Mutation Database (HGMD: prior to June 1st, 2018), and was therefore a candidate for classification through an automated scoring system. Utilizing variant allele frequency, disease prevalence and penetrance estimates, and inheritance mode, an automated score was calculated to assess if this variant is too frequent to cause the disease. Based on the score and internal cut-off values, a variant classified as benign is not then subjected to further curation. The score for this variant resulted in a classification of benign for this disease.

GeneDx
Classification: Benign. Last evaluated: 2015-03-03. Review status: criteria provided, single submitter. Criteria: GeneDx Variant Classification Process June 2021. Collection method: clinical testing. Allele origin: germline. Affected: yes.

Breakthrough Genomics
Classification: Benign. Review status: criteria provided, single submitter. Criteria: ACMG Guidelines, 2015. Collection method: not provided. Allele origin: germline. Inheritance: Autosomal dominant inheritance. Affected: yes.